The following is an entry in ClinVar:

NM_198688.3(KRTAP10-6):c.291G>A (p.Leu97=)

Genes: KRTAP10-6 (keratin associated protein 10-6; minus strand), TSPEAR (thrombospondin type laminin G domain and EAR repeats; minus strand). Cytogenetic location: 21q22.3.
Variant type: single nucleotide variant.
Coding change: c.291G>A on transcript NM_198688.3 (MANE Select); coding-DNA position 291, G replaced by A.
Protein change: p.Leu97=; no amino-acid change (leucine 97 retained).
Molecular consequence: synonymous variant. On other transcripts: intron variant (2).
Genome position (GRCh38, 1-based): chr21:44,592,194, C>T on the plus strand (G>A on the coding strand, the complement: KRTAP10-6 is on the minus strand). VCF-style: chr21-44592194-C-T. GRCh37 (hg19) VCF-style: chr21-46012075-C-T.
Other names: c.83-24189G>A (NM_144991.3); c.-122-24189G>A (NM_001272037.2).
Identifiers: ClinVar variation 5041104 (VCV005041104.1).

ClinVar aggregate classification (germline): Likely benign (1 of 4 stars; one submission).

Submission:

CeGaT Center for Human Genetics Tuebingen
Classification: Likely benign. Last evaluated: 2026-09-01. Review status: criteria provided, single submitter. Criteria: CeGaT Center For Human Genetics Tuebingen Variant Classification Criteria Version 2. Collection method: clinical testing. Allele origin: germline. Affected: yes. Observed: 1 variant allele.
Comment: KRTAP10-6: BP4, BP7